The following is an entry in ClinVar:

NM_018368.4(LMBRD1):c.528del (p.Lys176_Val177insTer)

Gene: LMBRD1 (LMBR1 domain containing 1; minus strand). Cytogenetic location: 6q13.
Variant type: Deletion.
Coding change: c.528del on transcript NM_018368.4 (MANE Select); coding-DNA position 528, one base deleted (A; older notation c.528delA).
Protein change: p.Lys176_Val177insTer.
Molecular consequence: frameshift variant.
Genome position (GRCh38, 1-based): chr6:69,741,823, T deleted on the plus strand (A on the coding strand, the reverse complement: LMBRD1 is on the minus strand); the first of 5 consecutive T bases (chr6:69,741,823-69,741,827); deleting any one gives the same sequence. VCF-style (leftmost placement, unchanged base first): chr6-69741822-CT-C. GRCh37 (hg19) VCF-style: chr6-70451714-CT-C.
Other names: c.309del, p.Lys103_Val104insTer (NM_001363722.2, NM_001367271.1, NM_001367272.1).
Identifiers: ClinVar variation 2748820 (VCV002748820.3), dbSNP rs2481385860, ClinGen allele CA2679304934.

ClinVar aggregate classification (germline): Pathogenic (1 of 4 stars; one submission).

Conditions:
Methylmalonic aciduria and homocystinuria type cblF. Also called: COBALAMIN F DISEASE; COBALAMIN, DEFECT IN LYSOSOMAL RELEASE OF; METHYLMALONIC ACIDEMIA AND HOMOCYSTINURIA, cblF TYPE; METHYLMALONIC ACIDURIA DUE TO VITAMIN B12-RELEASE DEFECT; VITAMIN B12 LYSOSOMAL RELEASE DEFECT; VITAMIN B12 STORAGE DISEASE. Identifiers: Orphanet 79284, MedGen C1848578, MONDO:0010183, OMIM 277380.

Submission:

Labcorp Genetics (formerly Invitae), Labcorp
Classification: Pathogenic for Methylmalonic aciduria and homocystinuria type cblF. Last evaluated: 2023-07-31. Review status: criteria provided, single submitter. Criteria: Invitae Variant Classification Sherloc (09022015). Collection method: clinical testing. Allele origin: germline.
Comment: For these reasons, this variant has been classified as Pathogenic. This variant has not been reported in the literature in individuals affected with LMBRD1-related conditions. This variant is not present in population databases (gnomAD no frequency). This sequence change creates a premature translational stop signal (p.Val177*) in the LMBRD1 gene. It is expected to result in an absent or disrupted protein product. Loss-of-function variants in LMBRD1 are known to be pathogenic (PMID: 19136951, 21303734).

Literature cited by the submitters: PubMed 19136951; PubMed 21303734.